The following is an entry in ClinVar:

NM_001394531.1(WDFY4):c.9155T>A (p.Val3052Asp)

Gene: WDFY4 (WDFY family member 4; plus strand). Cytogenetic location: 10q11.23.
Variant type: single nucleotide variant.
Coding change: c.9155T>A on transcript NM_001394531.1 (MANE Select); coding-DNA position 9155, T replaced by A.
Protein change: p.Val3052Asp; replaces valine 3052 with aspartic acid.
Molecular consequence: missense variant.
Genome position (GRCh38, 1-based): chr10:48,976,843, T>A. VCF-style: chr10-48976843-T-A. GRCh37 (hg19) VCF-style: chr10-50184888-T-A.
Other names: c.9155T>A, p.Val3052Asp (NM_020945.2); short protein forms V3052D.
Identifiers: ClinVar variation 2631725 (VCV002631725.3), dbSNP rs2494563249, ClinGen allele CA376698760.
Genomic context (GRCh38, chr10:48,976,843, plus strand): 5'-CTCTCACTGCACAGGGCACCATTGTCTCCTGTGCGGGAGCACACTTGTCCCTGTGGAATG[T>A]CAATGGACAGCCCCTGGCCAGCATCACCACAGCCTGGGGCCCAGAAGGAGCCATAACCTG-3'
Protein context (NP_001381460.1, residues 3042-3062): CAGAHLSLWN[Val3052Asp]NGQPLASITT

ClinVar aggregate classification (germline): Uncertain significance (0 of 4 stars; one submission).

Conditions:
WDFY4-related disorder. Also called: WDFY4-related condition.

Submission:

PreventionGenetics, part of Exact Sciences
Classification: Uncertain significance for WDFY4-related condition. Last evaluated: 2023-11-21. Review status: no assertion criteria provided. Collection method: clinical testing. Allele origin: germline.
Comment: The WDFY4 c.9155T>A variant is predicted to result in the amino acid substitution p.Val3052Asp. To our knowledge, this variant has not been reported in the literature or in a large population database, indicating this variant is rare. At this time, the clinical significance of this variant is uncertain due to the absence of conclusive functional and genetic evidence.